The following is an entry in ClinVar:

ClinVar aggregate classification (germline): Uncertain significance. Review status: criteria provided, multiple submitters, no conflicts (2 of 4 stars). 2 submissions from 2 submitters: Uncertain significance (2). Last evaluated 2025-09-24.

Allele frequency attached by ClinVar (database versions not stated): gnomAD exomes below 0.00001.

Submissions (2):

Ambry Genetics
Classification: Uncertain significance. Last evaluated: 2025-09-24. Review status: criteria provided, single submitter. Criteria: Ambry Variant Classification Scheme 2023. Collection method: clinical testing. Allele origin: germline.
Comment: The p.T65A variant (also known as c.193A>G), located in coding exon 4 of the RPS20 gene, results from an A to G substitution at nucleotide position 193. The threonine at codon 65 is replaced by alanine, an amino acid with similar properties. This amino acid position is highly conserved in available vertebrate species. In addition, this alteration is predicted to be deleterious by in silico analysis. Based on the available evidence, the clinical significance of this variant remains unclear.

Labcorp Genetics (formerly Invitae), Labcorp
Classification: Uncertain significance. Last evaluated: 2023-07-31. Review status: criteria provided, single submitter. Criteria: Invitae Variant Classification Sherloc (09022015). Collection method: clinical testing. Allele origin: germline.
Comment: In summary, the available evidence is currently insufficient to determine the role of this variant in disease. Therefore, it has been classified as a Variant of Uncertain Significance. An algorithm developed to predict the effect of missense changes on protein structure and function (PolyPhen-2) suggests that this variant is likely to be tolerated. This variant has not been reported in the literature in individuals affected with RPS20-related conditions. This variant is not present in population databases (gnomAD no frequency). This sequence change replaces threonine, which is neutral and polar, with alanine, which is neutral and non-polar, at codon 65 of the RPS20 protein (p.Thr65Ala).

NM_001023.4(RPS20):c.193A>G (p.Thr65Ala)

Gene: RPS20 (ribosomal protein S20; minus strand). Cytogenetic location: 8q12.1.
Variant type: single nucleotide variant.
Coding change: c.193A>G on transcript NM_001023.4 (MANE Select); coding-DNA position 193, A replaced by G.
Protein change: p.Thr65Ala; replaces threonine 65 with alanine.
Molecular consequence: missense variant.
Genome position (GRCh38, 1-based): chr8:56,073,257, T>C on the plus strand (A>G on the coding strand, the complement: RPS20 is on the minus strand). VCF-style: chr8-56073257-T-C. GRCh37 (hg19) VCF-style: chr8-56985816-T-C.
Other names: c.193A>G (NM_001023.3); c.193A>G, p.Thr65Ala (NM_001146227.3); short protein forms T65A.
Identifiers: ClinVar variation 2738171 (VCV002738171.4), dbSNP rs2486982138, ClinGen allele CA371283205.